The following is an entry in ClinVar:

NM_000053.4(ATP7B):c.3829C>T (p.Gln1277Ter)

Gene: ATP7B (ATPase copper transporting beta; minus strand). Cytogenetic location: 13q14.3.
Variant type: single nucleotide variant.
Coding change: c.3829C>T on transcript NM_000053.4 (MANE Select); coding-DNA position 3829, C replaced by T.
Protein change: p.Gln1277Ter; replaces glutamine 1277 with a stop codon.
Molecular consequence: nonsense. On other transcripts: intron variant (1).
Genome position (GRCh38, 1-based): chr13:51,937,550, G>A on the plus strand (C>T on the coding strand, the complement: ATP7B is on the minus strand). VCF-style: chr13-51937550-G-A. GRCh37 (hg19) VCF-style: chr13-52511686-G-A.
Other names: c.3208C>T, p.Gln1070Ter (NM_001005918.3); c.3496C>T, p.Gln1166Ter (NM_001243182.2); c.3595C>T, p.Gln1199Ter (NM_001330578.2, NM_001406527.1, NM_001406528.1); c.3577C>T, p.Gln1193Ter (NM_001330579.2, NM_001406531.1, NM_001406532.1); c.3829C>T, p.Gln1277Ter (NM_001406511.1, NM_001406512.1); c.3823C>T, p.Gln1275Ter (NM_001406513.1); c.3796C>T, p.Gln1266Ter (NM_001406514.1); c.3775C>T, p.Gln1259Ter (NM_001406515.1, NM_001406516.1); and 21 more; short protein forms Q1050*, Q1061*, Q1070*, Q1083*, Q1113*, Q1115*, Q1128*, Q1134*.
Identifiers: ClinVar variation 5013254 (VCV005013254.1).
Genomic context (GRCh38, chr13:51,937,550, plus strand): 5'-CGTCGGCTGCCTCGATGGCCACATCCGTGCCGGTGCCAATGGCCACACCCATGTCTGCCT[G>A]GGCCAAGGCCGGGGAGTCATTGACCCCATCCCCCACCATGGCGACTTTCTTCCCTTTATT-3'

ClinVar aggregate classification (germline): Pathogenic (1 of 4 stars; one submission).

Conditions:
Wilson disease (WND). Also called: Wilson's disease. Identifiers: Orphanet 905, MedGen C0019202, MONDO:0010200, OMIM 277900. Disease mechanism: loss of function.

Submission:

Myriad Genetics, Inc.
Classification: Pathogenic for Wilson disease. Last evaluated: 2025-02-28. Review status: criteria provided, single submitter. Criteria: Myriad Autosomal Dominant, Autosomal Recessive and X-Linked Classification Criteria (2023). Collection method: clinical testing. Allele origin: unknown.
Comment: NM_000053.3(ATP7B):c.3829C>T(Q1277*) is expected to be pathogenic in the context of Wilson disease. This variant is predicted to lead to an abnormal or absent protein product due to the creation of a premature termination codon in ATP7B, a gene where loss-of-function variants are known to be pathogenic. Please note: this variant was assessed in the context of healthy population screening.